The following is an entry in ClinVar:

NM_002778.4(PSAP):c.78C>T (p.Thr26=)

Gene: PSAP (prosaposin; minus strand). Cytogenetic location: 10q22.1.
Variant type: single nucleotide variant.
Coding change: c.78C>T on transcript NM_002778.4 (MANE Select); coding-DNA position 78, C replaced by T.
Protein change: p.Thr26=; no amino-acid change (threonine 26 retained).
Molecular consequence: synonymous variant.
Genome position (GRCh38, 1-based): chr10:71,834,468, G>A on the plus strand (C>T on the coding strand, the complement: PSAP is on the minus strand). VCF-style: chr10-71834468-G-A. GRCh37 (hg19) VCF-style: chr10-73594225-G-A.
Other names: p.Thr26=; c.78C>T, p.Thr26= (NM_001042465.3, NM_001042466.3).
Identifiers: ClinVar variation 300537 (VCV000300537.18), dbSNP rs74145688, ClinGen allele CA5547911.
Genomic context (GRCh38, chr10:71,834,468, plus strand): 5'-CTTCACTGCCCCGCAGTCGGACGCCGTCTTCACATTCTGGCACCACACTGCCGAGCCCCT[G>A]GTGCATTCTTTCAGTCCAAGGACCGGGCCGGCTAGAGCTAAAATGAAAACCAACGTGAGG-3'
Protein context (NP_002769.1, residues 16-36): AGPVLGLKEC[Thr26=]RGSAVWCQNV

ClinVar aggregate classification (germline): Benign. Review status: criteria provided, multiple submitters, no conflicts (2 of 4 stars). 8 submissions from 5 submitters: Benign (7). 1 of the submissions does not count toward it. Last evaluated 2026-01-31.

Conditions:
Combined PSAP deficiency (PSAPD). Also called: COMBINED SAP DEFICIENCY; PROSAPOSIN DEFICIENCY; Encephalopathy due to prosaposin deficiency. Identifiers: Orphanet 139406, MedGen C2673635, MONDO:0012719, OMIM 611721.
Gaucher disease due to saposin C deficiency. Also called: Atypical Gaucher disease due to saposin C deficiency; Saposin C Deficiency. Identifiers: Orphanet 309252, Orphanet 355, MedGen C1864651, MONDO:0012517, OMIM 610539.
Sphingolipid activator protein 1 deficiency. Also called: METACHROMATIC LEUKODYSTROPHY DUE TO CEREBROSIDE SULFATASE ACTIVATOR DEFICIENCY; Metachromatic leukodystrophy due to saposin B deficiency; Saposin B Deficiency. Identifiers: Orphanet 512, MedGen C0268262, MONDO:0009590, OMIM 249900.
Krabbe disease due to saposin A deficiency. Also called: KRABBE DISEASE, ATYPICAL, DUE TO SAPOSIN A DEFICIENCY; Saposin A Deficiency. Identifiers: Orphanet 487, MedGen C2673266, MONDO:0012720, OMIM 611722.
Metachromatic leukodystrophy (MLD). Also called: ARSA DEFICIENCY; CEREBROSIDE SULFATASE DEFICIENCY; METACHROMATIC LEUKOENCEPHALOPATHY; SULFATIDE LIPIDOSIS; Cerebral sclerosis diffuse metachromatic form; Arylsulfatase A Deficiency. Identifiers: Orphanet 512, MedGen C0023522, MONDO:0018868, OMIM 250100.

Allele frequency attached by ClinVar (database versions not stated): gnomAD exomes 0.00074 and 0.00222; ExAC 0.00285; gnomAD 0.00800 and 0.00850; ESP Exome Variant Server 0.00900; TOPMed 0.00921; 1000 Genomes Project 0.01078; 1000 Genomes Project 30x 0.01156.
gnomAD v4.1: 2,359 of 1,614,010 alleles (0.15%); highest among the groups gnomAD compares: African/African-American, 2.8%; 32 homozygotes.

Submissions (8):

Labcorp Genetics (formerly Invitae), Labcorp
Classification: Benign for Sphingolipid activator protein 1 deficiency. Last evaluated: 2026-01-31. Review status: criteria provided, single submitter. Criteria: Invitae Variant Classification Sherloc (09022015). Collection method: clinical testing. Allele origin: germline.

Mayo Clinic Laboratories, Mayo Clinic
Classification: Benign. Last evaluated: 2023-02-13. Review status: criteria provided, single submitter. Criteria: ACMG Guidelines, 2015. Collection method: clinical testing. Allele origin: germline. Observed: 7 variant alleles.
Comment: BS1, BS2

Illumina Laboratory Services, Illumina
Classification: Benign for Krabbe disease due to saposin A deficiency. Last evaluated: 2018-01-13. Review status: criteria provided, single submitter. Criteria: ICSL Variant Classification Criteria 13 December 2019. Collection method: clinical testing. Allele origin: germline.
Comment: This variant was observed in the ICSL laboratory as part of a predisposition screen in an ostensibly healthy population. It had not been previously curated by ICSL or reported in the Human Gene Mutation Database (HGMD: prior to June 1st, 2018), and was therefore a candidate for classification through an automated scoring system. Utilizing variant allele frequency, disease prevalence and penetrance estimates, and inheritance mode, an automated score was calculated to assess if this variant is too frequent to cause the disease. Based on the score and internal cut-off values, a variant classified as benign is not then subjected to further curation. The score for this variant resulted in a classification of benign for this disease.

Illumina Laboratory Services, Illumina
Classification: Benign for Sphingolipid activator protein 1 deficiency. Last evaluated: 2018-01-13. Review status: criteria provided, single submitter. Criteria: ICSL Variant Classification Criteria 13 December 2019. Collection method: clinical testing. Allele origin: germline.
Comment: the same text as in the submission from Illumina Laboratory Services, Illumina above.

Illumina Laboratory Services, Illumina
Classification: Benign for Gaucher disease due to saposin C deficiency. Last evaluated: 2018-01-13. Review status: criteria provided, single submitter. Criteria: ICSL Variant Classification Criteria 13 December 2019. Collection method: clinical testing. Allele origin: germline.
Comment: the same text as in the submission from Illumina Laboratory Services, Illumina above.

Illumina Laboratory Services, Illumina
Classification: Benign for Combined PSAP deficiency. Last evaluated: 2018-01-13. Review status: criteria provided, single submitter. Criteria: ICSL Variant Classification Criteria 13 December 2019. Collection method: clinical testing. Allele origin: germline.
Comment: the same text as in the submission from Illumina Laboratory Services, Illumina above.

Breakthrough Genomics
Classification: Benign. Review status: criteria provided, single submitter. Criteria: ACMG Guidelines, 2015. Collection method: not provided. Allele origin: germline. Inheritance: Autosomal recessive inheritance. Affected: yes.

Natera, Inc.
Classification: Likely benign for Metachromatic leukodystrophy. Last evaluated: 2019-12-10. Review status: no assertion criteria provided. Collection method: clinical testing. Allele origin: germline. Not counted in ClinVar's aggregate classification.

Literature cited by the submitters: PubMed 30037697 (cited by Mayo Clinic Laboratories, Mayo Clinic).